The following is an entry in ClinVar:

NM_004415.4(DSP):c.5828G>T (p.Arg1943Ile)

Gene: DSP (desmoplakin; plus strand). Cytogenetic location: 6p24.3.
Variant type: single nucleotide variant.
Coding change: c.5828G>T on transcript NM_004415.4 (MANE Select); coding-DNA position 5828, G replaced by T.
Protein change: p.Arg1943Ile; replaces arginine 1943 with isoleucine.
Molecular consequence: missense variant.
Genome position (GRCh38, 1-based): chr6:7,583,090, G>T. VCF-style: chr6-7583090-G-T. GRCh37 (hg19) VCF-style: chr6-7583323-G-T.
Other names: c.4031G>T, p.Arg1344Ile (NM_001008844.3); c.4499G>T, p.Arg1500Ile (NM_001319034.2); short protein forms R1344I, R1500I, R1943I.
Identifiers: ClinVar variation 2775332 (VCV002775332.5), dbSNP rs1759499845, ClinGen allele CA362689500.

ClinVar aggregate classification (germline): Uncertain significance. Review status: criteria provided, multiple submitters, no conflicts (2 of 4 stars). 2 submissions from 2 submitters: Uncertain significance (2). Last evaluated 2024-03-07.

Conditions:
Arrhythmogenic right ventricular dysplasia 8 (ARVD8). Also called: Arrhythmogenic Right Ventricular Dysplasia/Cardiomyopathy 8; ARRHYTHMOGENIC RIGHT VENTRICULAR DYSPLASIA, FAMILIAL, 8; ARRHYTHMOGENIC RIGHT VENTRICULAR CARDIOMYOPATHY 8. Identifiers: MedGen C1843896, MONDO:0011831, OMIM 607450.
Arrhythmogenic cardiomyopathy with wooly hair and keratoderma. Also called: PALMOPLANTAR KERATODERMA WITH LEFT VENTRICULAR CARDIOMYOPATHY AND WOOLLY HAIR; Dilated cardiomyopathy with woolly hair and keratoderma; Arrhythmogenic cardiomyopathy with woolly hair and keratoderma; Carvajal syndrome. Identifiers: Orphanet 65282, MedGen C1854063, MONDO:0011581, OMIM 605676.
Cardiomyopathy (CMYO). Also called: Cardiomyopathies. Identifiers: Orphanet 167848, MedGen C0878544, MONDO:0004994, HP:0001638. Inheritance: Various modes of inheritance.

Submissions (2):

Color Diagnostics, LLC DBA Color Health
Classification: Uncertain significance for Cardiomyopathy. Last evaluated: 2024-03-07. Review status: criteria provided, single submitter. Criteria: ACMG Guidelines, 2015. Collection method: clinical testing. Allele origin: germline.
Comment: This missense variant replaces arginine with isoleucine at codon 1943 of the DSP protein. Computational prediction suggests that this variant may not impact protein structure and function (internally defined REVEL score threshold <= 0.5, PMID: 27666373). To our knowledge, functional studies have not been reported for this variant. This variant has not been reported in individuals affected with cardiovascular disorders in the literature. This variant has not been identified in the general population by the Genome Aggregation Database (gnomAD). The available evidence is insufficient to determine the role of this variant in disease conclusively. Therefore, this variant is classified as a Variant of Uncertain Significance.

Labcorp Genetics (formerly Invitae), Labcorp
Classification: Uncertain significance for Arrhythmogenic cardiomyopathy with wooly hair and keratoderma; Arrhythmogenic right ventricular dysplasia 8. Last evaluated: 2023-05-02. Review status: criteria provided, single submitter. Criteria: Invitae Variant Classification Sherloc (09022015). Collection method: clinical testing. Allele origin: germline.
Comment: This sequence change replaces arginine, which is basic and polar, with isoleucine, which is neutral and non-polar, at codon 1943 of the DSP protein (p.Arg1943Ile). This variant is not present in population databases (gnomAD no frequency). This variant has not been reported in the literature in individuals affected with DSP-related conditions. An algorithm developed to predict the effect of missense changes on protein structure and function (PolyPhen-2) suggests that this variant is likely to be tolerated. In summary, the available evidence is currently insufficient to determine the role of this variant in disease. Therefore, it has been classified as a Variant of Uncertain Significance.